The following is an entry in ClinVar:

NM_001388453.1(QRICH2):c.1308C>T (p.Val436=)

Gene: QRICH2 (glutamine rich 2; minus strand). Cytogenetic location: 17q25.1.
Variant type: single nucleotide variant.
Coding change: c.1308C>T on transcript NM_001388453.1 (MANE Select); coding-DNA position 1308, C replaced by T.
Protein change: p.Val436=; no amino-acid change (valine 436 retained).
Molecular consequence: synonymous variant.
Genome position (GRCh38, 1-based): chr17:76,293,419, G>A on the plus strand (C>T on the coding strand, the complement: QRICH2 is on the minus strand). VCF-style: chr17-76293419-G-A. GRCh37 (hg19) VCF-style: chr17-74289500-G-A.
Other names: c.1308C>T, p.Val436= (NM_032134.3).
Identifiers: ClinVar variation 3060176 (VCV003060176.2), dbSNP rs3803737, ClinGen allele CA8784313.
Genomic context (GRCh38, chr17:76,293,419, plus strand): 5'-TTCCAATCCTTGCTGGTCTCTGCCAGGTACTGATGGTGGCAACATACGTTGCTCATCCAC[G>A]ACAAATGGTATCAATTCCCGATCATCCATTTCAGGTGGTGGCACACCAAGCTGACCCATG-3'
Protein context (NP_001375382.1, residues 426-446): EMDDRELIPF[Val436=]VDEQRMLPPS

ClinVar aggregate classification (germline): Benign (0 of 4 stars; one submission).

Conditions:
QRICH2-related disorder. Also called: QRICH2-related condition.

Allele frequency attached by ClinVar (database versions not stated): gnomAD exomes 0.30872; ExAC 0.34818; gnomAD 0.40547; ESP Exome Variant Server 0.41581; TOPMed 0.42351; 1000 Genomes Project 0.46945; 1000 Genomes Project 30x 0.47096.
gnomAD v4.1: 514,360 of 1,613,948 alleles (32%); highest among the groups gnomAD compares: African/African-American, 66%; 89,702 homozygotes.

Submission:

PreventionGenetics, part of Exact Sciences
Classification: Benign for QRICH2-related condition. Last evaluated: 2019-10-18. Review status: no assertion criteria provided. Collection method: clinical testing. Allele origin: germline.
Comment: This variant is classified as benign based on ACMG/AMP sequence variant interpretation guidelines (Richards et al. 2015 PMID: 25741868, with internal and published modifications).